The following is an entry in ClinVar:

ClinVar aggregate classification (germline): Uncertain significance (1 of 4 stars; one submission).

Allele frequency attached by ClinVar (database versions not stated): gnomAD exomes below 0.00001; ExAC 0.00001.
gnomAD v4.1: 2 of 1,611,050 alleles (0.00012%); highest among the groups gnomAD compares: Non-Finnish European, 0.00017%; no homozygotes.

Submission:

Ambry Genetics
Classification: Uncertain significance. Last evaluated: 2022-03-03. Review status: criteria provided, single submitter. Criteria: Ambry Variant Classification Scheme 2023. Collection method: clinical testing. Allele origin: germline.
Comment: The p.I494S variant (also known as c.1481T>G), located in coding exon 15 of the NEBL gene, results from a T to G substitution at nucleotide position 1481. The isoleucine at codon 494 is replaced by serine, an amino acid with dissimilar properties. This amino acid position is conserved. In addition, the in silico prediction for this alteration is inconclusive. Since supporting evidence is limited at this time, the clinical significance of this alteration remains unclear.

NM_006393.3(NEBL):c.1481T>G (p.Ile494Ser)

Gene: NEBL (nebulette; minus strand). Cytogenetic location: 10p12.31.
Variant type: single nucleotide variant.
Coding change: c.1481T>G on transcript NM_006393.3 (MANE Select); coding-DNA position 1481, T replaced by G.
Protein change: p.Ile494Ser; replaces isoleucine 494 with serine.
Molecular consequence: missense variant. On other transcripts: intron variant (9).
Genome position (GRCh38, 1-based): chr10:20,831,552, A>C on the plus strand (T>G on the coding strand, the complement: NEBL is on the minus strand). VCF-style: chr10-20831552-A-C. GRCh37 (hg19) VCF-style: chr10-21120481-A-C.
Other names: c.250-18612T>G (NM_001377326.1, NM_001377327.1, NM_001377328.1); c.358-18612T>G (NM_213569.2, NM_001173484.2, NM_001377322.1); c.301-18612T>G (NM_001377324.1); c.292-18612T>G (NM_001377325.1); c.310-18612T>G (NM_001377323.1); short protein forms I494S.
Identifiers: ClinVar variation 1773582 (VCV001773582.2), dbSNP rs761599878, ClinGen allele CA5432843.